The following is an entry in ClinVar:

NM_020975.6(RET):c.748C>T (p.Arg250Cys)

Gene: RET (ret proto-oncogene; plus strand). Cytogenetic location: 10q11.21.
Variant type: single nucleotide variant.
Coding change: c.748C>T on transcript NM_020975.6 (MANE Select); coding-DNA position 748, C replaced by T.
Protein change: p.Arg250Cys; replaces arginine 250 with cysteine.
Molecular consequence: missense variant.
Genome position (GRCh38, 1-based): chr10:43,105,074, C>T. VCF-style: chr10-43105074-C-T. GRCh37 (hg19) VCF-style: chr10-43600522-C-T.
Other names: c.748C>T, p.Arg250Cys (NM_000323.2, NM_001406743.1, NM_001406744.1 and 8 more transcripts); c.-15C>T (NM_001355216.2); c.619C>T, p.Arg207Cys (NM_001406761.1, NM_001406762.1, NM_001406764.1 and 2 more transcripts); c.460C>T, p.Arg154Cys (NM_001406766.1, NM_001406767.1, NM_001406770.1); short protein forms R250C, R154C, R207C.
Identifiers: ClinVar variation 827079 (VCV000827079.9), dbSNP rs1299878945, ClinGen allele CA376544857.
Genomic context (GRCh38, chr10:43,105,074, plus strand): 5'-GACCGCGAGCAGCGGGAGAAGTACGAGCTGGTGGCCGTGTGCACCGTGCACGCCGGCGCG[C>T]GCGAGGAGGTGGTGATGGTGCCCTTCCCGGTGACCGTGTACGACGAGGACGACTCGGCGC-3'
Protein context (NP_066124.1, residues 240-260): VAVCTVHAGA[Arg250Cys]EEVVMVPFPV

ClinVar aggregate classification (germline): Uncertain significance. Review status: criteria provided, multiple submitters, no conflicts (2 of 4 stars). 2 submissions from 2 submitters: Uncertain significance (2). Last evaluated 2024-03-21.

Conditions:
Multiple endocrine neoplasia, type 2 (MEN2). Identifiers: Orphanet 653, MedGen C4048306, MONDO:0019003. Disease mechanism: gain of function.
Hereditary cancer-predisposing syndrome. Also called: Neoplastic Syndromes, Hereditary; Tumor predisposition; Hereditary neoplastic syndrome; Hereditary Cancer Syndrome. Identifiers: Orphanet 140162, MedGen C0027672, MeSH D009386, MONDO:0015356.

Allele frequency attached by ClinVar (database versions not stated): gnomAD exomes below 0.00001; TOPMed below 0.00001.

Submissions (2):

Labcorp Genetics (formerly Invitae), Labcorp
Classification: Uncertain significance for Multiple endocrine neoplasia, type 2. Last evaluated: 2024-03-21. Review status: criteria provided, single submitter. Criteria: Invitae Variant Classification Sherloc (09022015). Collection method: clinical testing. Allele origin: germline.
Comment: This sequence change replaces arginine, which is basic and polar, with cysteine, which is neutral and slightly polar, at codon 250 of the RET protein (p.Arg250Cys). This variant is not present in population databases (gnomAD no frequency). This variant has not been reported in the literature in individuals affected with RET-related conditions. ClinVar contains an entry for this variant (Variation ID: 827079). An algorithm developed to predict the effect of missense changes on protein structure and function (PolyPhen-2) suggests that this variant is likely to be tolerated. In summary, the available evidence is currently insufficient to determine the role of this variant in disease. Therefore, it has been classified as a Variant of Uncertain Significance.

Ambry Genetics
Classification: Uncertain significance for Hereditary cancer-predisposing syndrome. Last evaluated: 2019-08-20. Review status: criteria provided, single submitter. Criteria: Ambry Variant Classification Scheme 2023. Collection method: clinical testing. Allele origin: germline.
Comment: The p.R250C variant (also known as c.748C>T), located in coding exon 4 of the RET gene, results from a C to T substitution at nucleotide position 748. The arginine at codon 250 is replaced by cysteine, an amino acid with highly dissimilar properties. This amino acid position is not well conserved in available vertebrate species. In addition, this alteration is predicted to be tolerated by in silico analysis. Since supporting evidence is limited at this time, the clinical significance of this alteration remains unclear.